The following is an entry in ClinVar:

NM_138694.4(PKHD1):c.1851del (p.Ala616_Tyr617insTer)

Gene: PKHD1 (PKHD1 ciliary IPT domain containing fibrocystin/polyductin; minus strand). Cytogenetic location: 6p12.2.
Variant type: Deletion.
Coding change: c.1851del on transcript NM_138694.4 (MANE Select); coding-DNA position 1851, one base deleted (C; older notation c.1851delC).
Protein change: p.Ala616_Tyr617insTer.
Molecular consequence: nonsense.
Genome position (GRCh38, 1-based): chr6:52,054,151, G deleted on the plus strand (C on the coding strand, the reverse complement: PKHD1 is on the minus strand). VCF-style (leftmost placement, unchanged base first): chr6-52054150-TG-T. GRCh37 (hg19) VCF-style: chr6-51918948-TG-T.
Other names: c.1851del, p.Ala616_Tyr617insTer (NM_170724.3).
Identifiers: ClinVar variation 4816593 (VCV004816593.1).

ClinVar aggregate classification (germline): Likely pathogenic (1 of 4 stars; one submission).

Conditions:
Autosomal recessive polycystic kidney disease (ARPKD). Also called: AR polycystic kidney disease. Identifiers: Orphanet 731, Orphanet 8378, MedGen C0085548, MeSH D017044, MONDO:0009889.

Submission:

Natera, Inc.
Classification: Likely pathogenic for Autosomal recessive polycystic kidney disease. Last evaluated: 2025-08-21. Review status: criteria provided, single submitter. Criteria: Natera Variant Classification Schema (03/2026). Collection method: clinical testing. Allele origin: germline.
Comment: The c.1851del variant in PKHD1 is a frameshift variant predicted to shift the reading frame and introduce a stop codon. This variant is expected to result in nonsense mediated decay, truncation, or a dysfunctional protein product. This variant is rare in the general population with a frequency below the threshold expected for the associated phenotype(s). Given the available evidence, this variant is classified as Likely Pathogenic.